The following is an entry in ClinVar:

NM_152424.4(AMER1):c.3091G>C (p.Gly1031Arg)

Gene: AMER1 (APC membrane recruitment protein 1; minus strand). Cytogenetic location: Xq11.2.
Variant type: single nucleotide variant.
Coding change: c.3091G>C on transcript NM_152424.4 (MANE Select); coding-DNA position 3091, G replaced by C.
Protein change: p.Gly1031Arg; replaces glycine 1031 with arginine.
Molecular consequence: missense variant.
Genome position (GRCh38, 1-based): chrX:64,190,196, C>G on the plus strand (G>C on the coding strand, the complement: AMER1 is on the minus strand). VCF-style: chrX-64190196-C-G. GRCh37 (hg19) VCF-style: chrX-63410076-C-G.
Other names: short protein forms G1031R.
Identifiers: ClinVar variation 4760351 (VCV004760351.1).

ClinVar aggregate classification (germline): Uncertain significance (1 of 4 stars; one submission).

Submission:

Labcorp Genetics (formerly Invitae), Labcorp
Classification: Uncertain significance. Last evaluated: 2025-08-29. Review status: criteria provided, single submitter. Criteria: Invitae Variant Classification Sherloc (09022015). Collection method: clinical testing. Allele origin: germline.
Comment: This sequence change replaces glycine, which is neutral and non-polar, with arginine, which is basic and polar, at codon 1031 of the AMER1 protein (p.Gly1031Arg). This variant is not present in population databases (gnomAD no frequency). This variant has not been reported in the literature in individuals affected with AMER1-related conditions. An algorithm developed to predict the effect of missense changes on protein structure and function (PolyPhen-2) suggests that this variant is likely to be disruptive. In summary, the available evidence is currently insufficient to determine the role of this variant in disease. Therefore, it has been classified as a Variant of Uncertain Significance.